The following is an entry in ClinVar:

ClinVar aggregate classification (germline): Uncertain significance (1 of 4 stars; one submission).

Allele frequency attached by ClinVar (database versions not stated): gnomAD 0.00001; gnomAD exomes below 0.00001; ExAC 0.00002.
gnomAD v4.1: 3 of 1,599,780 alleles (0.00019%); highest among the groups gnomAD compares: African/African-American, 0.0027%; no homozygotes.

Submission:

Labcorp Genetics (formerly Invitae), Labcorp
Classification: Uncertain significance. Last evaluated: 2021-08-28. Review status: criteria provided, single submitter. Criteria: Invitae Variant Classification Sherloc (09022015). Collection method: clinical testing. Allele origin: germline.
Comment: This sequence change replaces aspartic acid with asparagine at codon 2911 of the ADGRV1 protein (p.Asp2911Asn). The aspartic acid residue is highly conserved and there is a small physicochemical difference between aspartic acid and asparagine. This variant is present in population databases (rs761871555, ExAC 0.02%). This variant has not been reported in the literature in individuals affected with ADGRV1-related conditions. Algorithms developed to predict the effect of missense changes on protein structure and function are either unavailable or do not agree on the potential impact of this missense change (SIFT: "Deleterious"; PolyPhen-2: "Probably Damaging"; Align-GVGD: "Class C0"). Algorithms developed to predict the effect of sequence changes on RNA splicing suggest that this variant may disrupt the consensus splice site. In summary, the available evidence is currently insufficient to determine the role of this variant in disease. Therefore, it has been classified as a Variant of Uncertain Significance.

NM_032119.4(ADGRV1):c.8731G>A (p.Asp2911Asn)

Gene: ADGRV1 (adhesion G protein-coupled receptor V1; plus strand). Cytogenetic location: 5q14.3.
Variant type: single nucleotide variant.
Coding change: c.8731G>A on transcript NM_032119.4 (MANE Select); coding-DNA position 8731, G replaced by A.
Protein change: p.Asp2911Asn; replaces aspartic acid 2911 with asparagine.
Molecular consequence: missense variant. On other transcripts: non-coding transcript variant (1).
Genome position (GRCh38, 1-based): chr5:90,708,816, G>A. VCF-style: chr5-90708816-G-A. GRCh37 (hg19) VCF-style: chr5-90004633-G-A.
Other names: short protein forms D2911N.
Identifiers: ClinVar variation 1496681 (VCV001496681.3), dbSNP rs761871555, ClinGen allele CA3340342.
Genomic context (GRCh38, chr5:90,708,816, plus strand): 5'-CTGAGGGTTAATTACTTTGAGAGTATAACTAAAGGAATTTAATGAGTGTAATTTTTTCAG[G>A]ATGATGTACCAGAGCTAGAAGAATATTTCCTGGTGAATTTAACTTACGTTGGACTTACCA-3'
Protein context (NP_115495.3, residues 2901-2921): AAAINITILE[Asp2911Asn]DVPELEEYFL